The following is an entry in ClinVar:

ClinVar aggregate classification (germline): Benign/Likely benign. Review status: criteria provided, multiple submitters, no conflicts (2 of 4 stars). 2 submissions from 2 submitters: Benign (1); Likely benign (1). Last evaluated 2026-01-01.

Allele frequency attached by ClinVar (database versions not stated): gnomAD exomes 0.00075 and 0.00172; ExAC 0.00185; ESP Exome Variant Server 0.00423; gnomAD 0.00430 and 0.00459; 1000 Genomes Project 0.00459; 1000 Genomes Project 30x 0.00500; TOPMed 0.00539.
gnomAD v4.1: 1,811 of 1,614,100 alleles (0.11%); highest among the groups gnomAD compares: African/African-American, 1.4%; 11 homozygotes.

Submissions (2):

CeGaT Center for Human Genetics Tuebingen
Classification: Likely benign. Last evaluated: 2026-01-01. Review status: criteria provided, single submitter. Criteria: CeGaT Center For Human Genetics Tuebingen Variant Classification Criteria Version 2. Collection method: clinical testing. Allele origin: germline. Affected: yes. Observed: 1 variant allele.
Comment: SOSTDC1: BP4, BP7, BS1

Labcorp Genetics (formerly Invitae), Labcorp
Classification: Benign. Last evaluated: 2018-04-20. Review status: criteria provided, single submitter. Criteria: Invitae Variant Classification Sherloc (09022015). Collection method: clinical testing. Allele origin: germline.

NM_015464.3(SOSTDC1):c.348A>G (p.Gly116=)

Gene: SOSTDC1 (sclerostin domain containing 1; minus strand). Cytogenetic location: 7p21.2.
Variant type: single nucleotide variant.
Coding change: c.348A>G on transcript NM_015464.3 (MANE Select); coding-DNA position 348, A replaced by G.
Protein change: p.Gly116=; no amino-acid change (glycine 116 retained).
Molecular consequence: synonymous variant.
Genome position (GRCh38, 1-based): chr7:16,462,821, T>C on the plus strand (A>G on the coding strand, the complement: SOSTDC1 is on the minus strand). VCF-style: chr7-16462821-T-C. GRCh37 (hg19) VCF-style: chr7-16502446-T-C.
Identifiers: ClinVar variation 723269 (VCV000723269.7), dbSNP rs34300902, ClinGen allele CA4169729.